The following is an entry in ClinVar:

NM_000397.4(CYBB):c.46-14T>G

Gene: CYBB (cytochrome b-245 beta chain; plus strand). Cytogenetic location: Xp21.1.
Variant type: single nucleotide variant.
Coding change: c.46-14T>G on transcript NM_000397.4 (MANE Select); 14 bases into the intron before coding-DNA position 46, T replaced by G.
Molecular consequence: intron variant.
Genome position (GRCh38, 1-based): chrX:37,782,074, T>G. VCF-style: chrX-37782074-T-G. GRCh37 (hg19) VCF-style: chrX-37641327-T-G.
Identifiers: ClinVar variation 2196553 (VCV002196553.4), dbSNP rs2519190777, ClinGen allele CA2580100783.
Genomic context (GRCh38, chrX:37,782,074, plus strand): 5'-TATCTGACTCCAGTCTTGTGTGGAATCTACTGTGGAAATGCGGAAACTTCATGCAATTAT[T>G]TCTGTTTGTGCAGCTGGTTTGGCTGGGGTTGAACGTCTTCCTCTTTGTCTGGTATTACCG-3'

ClinVar aggregate classification (germline): Uncertain significance (1 of 4 stars; one submission).

Conditions:
Granulomatous disease, chronic, X-linked. Also called: CYTOCHROME b-NEGATIVE GRANULOMATOUS DISEASE, CHRONIC, X-LINKED; GRANULOMATOUS DISEASE, CHRONIC, X-LINKED, SOMATIC MOSAIC. Identifiers: Orphanet 379, MedGen C1844376, MONDO:0010600, OMIM 306400.

Submission:

Labcorp Genetics (formerly Invitae), Labcorp
Classification: Uncertain significance for Granulomatous disease, chronic, X-linked. Last evaluated: 2023-04-09. Review status: criteria provided, single submitter. Criteria: Invitae Variant Classification Sherloc (09022015). Collection method: clinical testing. Allele origin: germline.
Comment: In summary, the available evidence is currently insufficient to determine the role of this variant in disease. Therefore, it has been classified as a Variant of Uncertain Significance. Algorithms developed to predict the effect of sequence changes on RNA splicing suggest that this variant may disrupt the consensus splice site. ClinVar contains an entry for this variant (Variation ID: 2196553). This variant has not been reported in the literature in individuals affected with CYBB-related conditions. This variant is not present in population databases (gnomAD no frequency). This sequence change falls in intron 1 of the CYBB gene. It does not directly change the encoded amino acid sequence of the CYBB protein.